The following is an entry in ClinVar:

NM_001039591.3(USP9X):c.1161A>G (p.Ala387=)

Gene: USP9X (ubiquitin specific peptidase 9 X-linked; plus strand). Cytogenetic location: Xp11.4.
Variant type: single nucleotide variant.
Coding change: c.1161A>G on transcript NM_001039591.3 (MANE Select); coding-DNA position 1161, A replaced by G.
Protein change: p.Ala387=; no amino-acid change (alanine 387 retained).
Molecular consequence: synonymous variant.
Genome position (GRCh38, 1-based): chrX:41,141,431, A>G. VCF-style: chrX-41141431-A-G. GRCh37 (hg19) VCF-style: chrX-41000684-A-G.
Other names: c.1161A>G, p.Ala387= (NM_001039590.3).
Identifiers: ClinVar variation 521367 (VCV000521367.7), dbSNP rs758834960, ClinGen allele CA10388397.
Genomic context (GRCh38, chrX:41,141,431, plus strand): 5'-CTATACTCATCGACATGGTAATCCTGAGGAGGAAGAGTGGCTCACAGCTGAACGAATGGC[A>G]GTGAGTCTTTCAGTTCTTCTTCATAGGAATAAGAATCTACTTAAGACAAGAAATTAGAAT-3'
Protein context (NP_001034680.2, residues 377-397): EEEWLTAERM[Ala387=]EWIQQNNILS

ClinVar aggregate classification (germline): Uncertain significance. Review status: criteria provided, multiple submitters, no conflicts (2 of 4 stars). 2 submissions from 2 submitters: Uncertain significance (2). Last evaluated 2023-04-24.

Conditions:
Inborn genetic diseases. Identifiers: MedGen C0950123, MeSH D030342.

Allele frequency attached by ClinVar (database versions not stated): gnomAD exomes below 0.00001 and 0.00001; ExAC 0.00003.
gnomAD v4.1: 4 of 1,174,668 alleles (0.00034%); highest among the groups gnomAD compares: Admixed American, 0.0075%; no homozygotes.

Submissions (2):

Labcorp Genetics (formerly Invitae), Labcorp
Classification: Uncertain significance. Last evaluated: 2023-04-24. Review status: criteria provided, single submitter. Criteria: Invitae Variant Classification Sherloc (09022015). Collection method: clinical testing. Allele origin: germline.
Comment: In summary, the available evidence is currently insufficient to determine the role of this variant in disease. Therefore, it has been classified as a Variant of Uncertain Significance. Algorithms developed to predict the effect of sequence changes on RNA splicing suggest that this variant is not likely to affect RNA splicing. ClinVar contains an entry for this variant (Variation ID: 521367). This variant has not been reported in the literature in individuals affected with USP9X-related conditions. The frequency data for this variant in the population databases is considered unreliable, as metrics indicate poor data quality at this position in the gnomAD database. This sequence change affects codon 387 of the USP9X mRNA. It is a 'silent' change, meaning that it does not change the encoded amino acid sequence of the USP9X protein. It affects a nucleotide within the consensus splice site.

Ambry Genetics
Classification: Uncertain significance for Inborn genetic diseases. Last evaluated: 2016-10-31. Review status: criteria provided, single submitter. Criteria: Ambry exome assertion method (8-5-2015). Collection method: clinical testing. Allele origin: germline. Affected: yes. Observed: 1 variant allele.